The following is an entry in ClinVar:

ClinVar aggregate classification (germline): Uncertain significance (1 of 4 stars; one submission).

Conditions:
Oligodontia-cancer predisposition syndrome. Also called: TOOTH AGENESIS-COLORECTAL CANCER SYNDROME. Identifiers: Orphanet 300576, MedGen C1837750, MONDO:0012075, OMIM 608615. Disease mechanism: loss of function.

Submission:

Labcorp Genetics (formerly Invitae), Labcorp
Classification: Uncertain significance for Oligodontia-cancer predisposition syndrome. Last evaluated: 2022-06-15. Review status: criteria provided, single submitter. Criteria: Invitae Variant Classification Sherloc (09022015). Collection method: clinical testing. Allele origin: germline.
Comment: In summary, the available evidence is currently insufficient to determine the role of this variant in disease. Therefore, it has been classified as a Variant of Uncertain Significance. Algorithms developed to predict the effect of missense changes on protein structure and function are either unavailable or do not agree on the potential impact of this missense change (SIFT: "Tolerated"; PolyPhen-2: "Possibly Damaging"; Align-GVGD: "Class C15"). This variant has not been reported in the literature in individuals affected with AXIN2-related conditions. This variant is not present in population databases (gnomAD no frequency). This sequence change replaces serine, which is neutral and polar, with cysteine, which is neutral and slightly polar, at codon 762 of the AXIN2 protein (p.Ser762Cys).

NM_004655.4(AXIN2):c.2284A>T (p.Ser762Cys)

Gene: AXIN2 (axin 2; minus strand). Cytogenetic location: 17q24.1.
Variant type: single nucleotide variant.
Coding change: c.2284A>T on transcript NM_004655.4 (MANE Select); coding-DNA position 2284, A replaced by T.
Protein change: p.Ser762Cys; replaces serine 762 with cysteine.
Molecular consequence: missense variant.
Genome position (GRCh38, 1-based): chr17:65,534,033, T>A on the plus strand (A>T on the coding strand, the complement: AXIN2 is on the minus strand). VCF-style: chr17-65534033-T-A. GRCh37 (hg19) VCF-style: chr17-63530151-T-A.
Other names: c.2089A>T, p.Ser697Cys (NM_001363813.1); short protein forms S697C, S762C.
Identifiers: ClinVar variation 2006890 (VCV002006890.4), dbSNP rs755320218, ClinGen allele CA400675591.
Genomic context (GRCh38, chr17:65,534,033, plus strand): 5'-TCAGCATCCTCCGGTATGGAATTTCTTCCCCACAGAAAAAGTAAGTGACAACCAACTCAC[T>A]GGCCTGGAGCGCGTGGACACCTGCCAGTTTCTTTGGCTCTTTGTGACTGAAAATAAGATG-3'
Protein context (NP_004646.3, residues 752-772): KLAGVHALQA[Ser762Cys]ELVVTYFFCG